The following is an entry in ClinVar:

ClinVar aggregate classification (germline): Likely benign. Review status: criteria provided, multiple submitters, no conflicts (2 of 4 stars). 3 submissions from 3 submitters: Likely benign (2). 1 of the submissions does not count toward it. Last evaluated 2025-12-01.

Conditions:
IGSF10-related disorder. Also called: IGSF10-related condition.

Allele frequency attached by ClinVar (database versions not stated): 1000 Genomes Project 30x 0.00016; 1000 Genomes Project 0.00020; ExAC 0.00067; gnomAD exomes 0.00085 and 0.00165; TOPMed 0.00094; gnomAD 0.00102 and 0.00105; ESP Exome Variant Server 0.00138.

Submissions (3):

CeGaT Center for Human Genetics Tuebingen
Classification: Likely benign. Last evaluated: 2025-12-01. Review status: criteria provided, single submitter. Criteria: CeGaT Center For Human Genetics Tuebingen Variant Classification Criteria Version 2. Collection method: clinical testing. Allele origin: germline. Affected: yes. Observed: 1 variant allele.
Comment: IGSF10: BP4, BP7

Labcorp Genetics (formerly Invitae), Labcorp
Classification: Likely benign. Last evaluated: 2025-11-10. Review status: criteria provided, single submitter. Criteria: Invitae Variant Classification Sherloc (09022015). Collection method: clinical testing. Allele origin: germline.

PreventionGenetics, part of Exact Sciences
Classification: Likely benign for IGSF10-related condition. Last evaluated: 2019-09-06. Review status: no assertion criteria provided. Collection method: clinical testing. Allele origin: germline. Not counted in ClinVar's aggregate classification.
Comment: This variant is classified as likely benign based on ACMG/AMP sequence variant interpretation guidelines (Richards et al. 2015 PMID: 25741868, with internal and published modifications).

NM_178822.5(IGSF10):c.1869A>G (p.Lys623=)

Gene: IGSF10 (immunoglobulin superfamily member 10; minus strand). Cytogenetic location: 3q25.1.
Variant type: single nucleotide variant.
Coding change: c.1869A>G on transcript NM_178822.5 (MANE Select); coding-DNA position 1869, A replaced by G.
Protein change: p.Lys623=; no amino-acid change (lysine 623 retained).
Molecular consequence: synonymous variant.
Genome position (GRCh38, 1-based): chr3:151,448,112, T>C on the plus strand (A>G on the coding strand, the complement: IGSF10 is on the minus strand). VCF-style: chr3-151448112-T-C. GRCh37 (hg19) VCF-style: chr3-151165900-T-C.
Other names: c.1869A>G, p.Lys623= (NM_001385060.1, NM_001385061.1, NM_001385062.1 and 1 more transcripts).
Identifiers: ClinVar variation 721049 (VCV000721049.15), dbSNP rs143231887, ClinGen allele CA2670457.